The following is an entry in ClinVar:

NM_001267550.2(TTN):c.83660C>A (p.Pro27887Gln)

Genes: TTN (titin; minus strand), TTN-AS1 (TTN antisense RNA 1; plus strand). Cytogenetic location: 2q31.2.
Variant type: single nucleotide variant.
Coding change: c.83660C>A on transcript NM_001267550.2 (MANE Select); coding-DNA position 83660, C replaced by A.
Protein change: p.Pro27887Gln; replaces proline 27887 with glutamine.
Molecular consequence: missense variant.
Genome position (GRCh38, 1-based): chr2:178,562,472, G>T on the plus strand (C>A on the coding strand, the complement: TTN is on the minus strand). VCF-style: chr2-178562472-G-T. GRCh37 (hg19) VCF-style: chr2-179427199-G-T.
Other names: c.78737C>A, p.Pro26246Gln (NM_001256850.1); c.56465C>A, p.Pro18822Gln (NM_003319.4); c.75956C>A, p.Pro25319Gln (NM_133378.4); c.56840C>A, p.Pro18947Gln (NM_133432.3); c.57041C>A, p.Pro19014Gln (NM_133437.4); short protein forms P27887Q, P18947Q, P19014Q, P18822Q, P25319Q, P26246Q.
Identifiers: ClinVar variation 669286 (VCV000669286.14), dbSNP rs751121559, ClinGen allele CA1988891.

ClinVar aggregate classification (germline): Conflicting classifications of pathogenicity. Review status: criteria provided, conflicting classifications (1 of 4 stars). 2 submissions from 2 submitters: Uncertain significance (1); Likely benign (1). Last evaluated 2025-01-01.

Allele frequency attached by ClinVar (database versions not stated): gnomAD exomes below 0.00001 and 0.00001; TOPMed below 0.00001; ExAC 0.00001; gnomAD 0.00001.
gnomAD v4.1: 10 of 1,613,142 alleles (0.00062%); highest among the groups gnomAD compares: Admixed American, 0.0017%; no homozygotes.

Submissions (2):

CeGaT Center for Human Genetics Tuebingen
Classification: Uncertain significance. Last evaluated: 2025-01-01. Review status: criteria provided, single submitter. Criteria: CeGaT Center For Human Genetics Tuebingen Variant Classification Criteria Version 2. Collection method: clinical testing. Allele origin: germline. Affected: yes. Observed: 1 variant allele.

GeneDx
Classification: Likely benign. Last evaluated: 2018-06-06. Review status: criteria provided, single submitter. Criteria: GeneDx Variant Classification (06012015). Collection method: clinical testing. Allele origin: germline. Affected: yes.
Comment: This variant is considered likely benign or benign based on one or more of the following criteria: it is a conservative change, it occurs at a poorly conserved position in the protein, it is predicted to be benign by multiple in silico algorithms, and/or has population frequency not consistent with disease.